The following is an entry in ClinVar:

ClinVar aggregate classification (germline): Likely benign (0 of 4 stars; one submission).

Conditions:
CYP3A5-related disorder. Also called: CYP3A5-related condition.

Allele frequency attached by ClinVar (database versions not stated): 1000 Genomes Project 0.01797; 1000 Genomes Project 30x 0.01874; TOPMed 0.02295; gnomAD 0.02373.
gnomAD v4.1: 40,984 of 1,335,804 alleles (3.1%); highest among the groups gnomAD compares: Middle Eastern, 6.1%; 748 homozygotes.

Submissions (25):

PreventionGenetics, part of Exact Sciences
Classification: Likely benign for CYP3A5-related condition. Last evaluated: 2022-03-21. Review status: no assertion criteria provided. Collection method: clinical testing. Allele origin: germline.
Comment: This variant is classified as likely benign based on ACMG/AMP sequence variant interpretation guidelines (Richards et al. 2015 PMID: 25741868, with internal and published modifications).

Dr. Peter K. Rogan Lab, Western University
No classification provided (evidence only). Condition: Acute myeloid leukemia. Review status: no classification provided. Collection method: in vitro. Allele origin: not applicable. Functional consequence: retained intron. Not counted in ClinVar's aggregate classification.

Dr. Peter K. Rogan Lab, Western University
No classification provided (evidence only). Condition: Acute myeloid leukemia. Review status: no classification provided. Collection method: in vitro. Allele origin: not applicable. Functional consequence: retained intron. Not counted in ClinVar's aggregate classification.

Dr. Peter K. Rogan Lab, Western University
No classification provided (evidence only). Condition: Acute myeloid leukemia. Review status: no classification provided. Collection method: in vitro. Allele origin: not applicable. Functional consequence: retained intron. Not counted in ClinVar's aggregate classification.

Dr. Peter K. Rogan Lab, Western University
No classification provided (evidence only). Condition: Acute myeloid leukemia. Review status: no classification provided. Collection method: in vitro. Allele origin: not applicable. Functional consequence: retained intron. Not counted in ClinVar's aggregate classification.

Dr. Peter K. Rogan Lab, Western University
No classification provided (evidence only). Condition: Uterine corpus endometrial carcinoma. Review status: no classification provided. Collection method: in vitro. Allele origin: not applicable. Functional consequence: retained intron. Not counted in ClinVar's aggregate classification.

Dr. Peter K. Rogan Lab, Western University
No classification provided (evidence only). Condition: Uterine corpus endometrial carcinoma. Review status: no classification provided. Collection method: in vitro. Allele origin: not applicable. Functional consequence: retained intron. Not counted in ClinVar's aggregate classification.

Dr. Peter K. Rogan Lab, Western University
No classification provided (evidence only). Condition: Cervical cancer. Review status: no classification provided. Collection method: in vitro. Allele origin: not applicable. Functional consequence: retained intron. Not counted in ClinVar's aggregate classification.

Dr. Peter K. Rogan Lab, Western University
No classification provided (evidence only). Condition: Cervical cancer. Review status: no classification provided. Collection method: in vitro. Allele origin: not applicable. Functional consequence: retained intron. Not counted in ClinVar's aggregate classification.

Dr. Peter K. Rogan Lab, Western University
No classification provided (evidence only). Condition: Sarcoma. Review status: no classification provided. Collection method: in vitro. Allele origin: not applicable. Functional consequence: retained intron. Not counted in ClinVar's aggregate classification.

Dr. Peter K. Rogan Lab, Western University
No classification provided (evidence only). Condition: Malignant lymphoma, large B-cell, diffuse. Review status: no classification provided. Collection method: in vitro. Allele origin: not applicable. Functional consequence: retained intron. Not counted in ClinVar's aggregate classification.

Dr. Peter K. Rogan Lab, Western University
No classification provided (evidence only). Condition: Nonpapillary renal cell carcinoma. Review status: no classification provided. Collection method: in vitro. Allele origin: not applicable. Functional consequence: retained intron. Not counted in ClinVar's aggregate classification.

Dr. Peter K. Rogan Lab, Western University
No classification provided (evidence only). Condition: Nonpapillary renal cell carcinoma. Review status: no classification provided. Collection method: in vitro. Allele origin: not applicable. Functional consequence: retained intron. Not counted in ClinVar's aggregate classification.

Dr. Peter K. Rogan Lab, Western University
No classification provided (evidence only). Condition: Cholangiocarcinoma. Review status: no classification provided. Collection method: in vitro. Allele origin: not applicable. Functional consequence: retained intron. Not counted in ClinVar's aggregate classification.

Dr. Peter K. Rogan Lab, Western University
No classification provided (evidence only). Condition: Ovarian serous cystadenocarcinoma. Review status: no classification provided. Collection method: in vitro. Allele origin: not applicable. Functional consequence: retained intron. Not counted in ClinVar's aggregate classification.

Dr. Peter K. Rogan Lab, Western University
No classification provided (evidence only). Condition: Malignant tumor of esophagus. Review status: no classification provided. Collection method: in vitro. Allele origin: not applicable. Functional consequence: retained intron. Not counted in ClinVar's aggregate classification.

Dr. Peter K. Rogan Lab, Western University
No classification provided (evidence only). Condition: Chronic lymphocytic leukemia/small lymphocytic lymphoma. Review status: no classification provided. Collection method: in vitro. Allele origin: not applicable. Functional consequence: retained intron. Not counted in ClinVar's aggregate classification.

Dr. Peter K. Rogan Lab, Western University
No classification provided (evidence only). Condition: Chronic lymphocytic leukemia/small lymphocytic lymphoma. Review status: no classification provided. Collection method: in vitro. Allele origin: not applicable. Functional consequence: retained intron. Not counted in ClinVar's aggregate classification.

Dr. Peter K. Rogan Lab, Western University
No classification provided (evidence only). Condition: Nonpapillary renal cell carcinoma. Review status: no classification provided. Collection method: in vitro. Allele origin: not applicable. Functional consequence: retained intron. Not counted in ClinVar's aggregate classification.

Dr. Peter K. Rogan Lab, Western University
No classification provided (evidence only). Condition: Nonpapillary renal cell carcinoma. Review status: no classification provided. Collection method: in vitro. Allele origin: not applicable. Functional consequence: retained intron. Not counted in ClinVar's aggregate classification.

Dr. Peter K. Rogan Lab, Western University
No classification provided (evidence only). Condition: Nonpapillary renal cell carcinoma. Review status: no classification provided. Collection method: in vitro. Allele origin: not applicable. Functional consequence: retained intron. Not counted in ClinVar's aggregate classification.

Dr. Peter K. Rogan Lab, Western University
No classification provided (evidence only). Condition: Familial pancreatic carcinoma. Review status: no classification provided. Collection method: in vitro. Allele origin: not applicable. Functional consequence: retained intron. Not counted in ClinVar's aggregate classification.

Dr. Peter K. Rogan Lab, Western University
No classification provided (evidence only). Condition: Familial pancreatic carcinoma. Review status: no classification provided. Collection method: in vitro. Allele origin: not applicable. Functional consequence: retained intron. Not counted in ClinVar's aggregate classification.

Dr. Peter K. Rogan Lab, Western University
No classification provided (evidence only). Condition: Familial pancreatic carcinoma. Review status: no classification provided. Collection method: in vitro. Allele origin: not applicable. Functional consequence: retained intron. Not counted in ClinVar's aggregate classification.

Dr. Peter K. Rogan Lab, Western University
No classification provided (evidence only). Condition: Familial pancreatic carcinoma. Review status: no classification provided. Collection method: in vitro. Allele origin: not applicable. Functional consequence: retained intron. Not counted in ClinVar's aggregate classification.

NM_000777.5(CYP3A5):c.-74C>T

Genes: CYP3A5 (cytochrome P450 family 3 subfamily A member 5; minus strand), ZSCAN25 (zinc finger and SCAN domain containing 25; plus strand), LOC110599592 (CYP3A5 promoter; plus strand). Cytogenetic location: 7q22.1.
Variant type: single nucleotide variant.
Coding change: c.-74C>T on transcript NM_000777.5 (MANE Select); 74 bases upstream of the start codon, C replaced by T.
Molecular consequence: 5 prime UTR variant. On other transcripts: non-coding transcript variant (1).
Genome position (GRCh38, 1-based): chr7:99,679,970, G>A on the plus strand (C>T on the coding strand, the complement: CYP3A5 is on the minus strand). VCF-style: chr7-99679970-G-A. GRCh37 (hg19) VCF-style: chr7-99277593-G-A.
Other names: NC_000007.13:g.99277593G>A; c.-74C>T (NM_001190484.3); c.-913C>T (NM_001291829.2); c.-364C>T (NM_001291830.2).
Identifiers: ClinVar variation 3055839 (VCV003055839.3), dbSNP rs28371764, ClinGen allele CA163114508.